The following is an entry in ClinVar:

NM_000414.4(HSD17B4):c.251A>G (p.Lys84Arg)

Gene: HSD17B4 (hydroxysteroid 17-beta dehydrogenase 4; plus strand). Cytogenetic location: 5q23.1.
Variant type: single nucleotide variant.
Coding change: c.251A>G on transcript NM_000414.4 (MANE Select); coding-DNA position 251, A replaced by G.
Protein change: p.Lys84Arg; replaces lysine 84 with arginine.
Molecular consequence: missense variant. On other transcripts: 5 prime UTR variant (6), non-coding transcript variant (2).
Genome position (GRCh38, 1-based): chr5:119,474,431, A>G. VCF-style: chr5-119474431-A-G. GRCh37 (hg19) VCF-style: chr5-118810126-A-G.
Other names: c.326A>G, p.Lys109Arg (NM_001199291.3); c.197A>G, p.Lys66Arg (NM_001199292.2); c.179A>G, p.Lys60Arg (NM_001292027.2); c.-161A>G (NM_001292028.2, NM_001374501.1, NM_001374502.1 and 1 more transcripts); c.251A>G, p.Lys84Arg (NM_001374497.1, NM_001374498.1); c.-30A>G (NM_001374499.1); c.-288A>G (NM_001374500.1); short protein forms K109R, K60R, K66R, K84R.
Identifiers: ClinVar variation 2416905 (VCV002416905.6), dbSNP rs2531602810, ClinGen allele CA360864605.
Genomic context (GRCh38, chr5:119,474,431, plus strand): 5'-AAATTTCATACAAATTTTCCTTTCCCTCAGATTCAGTGGAAGAAGGAGAGAAGGTTGTGA[A>G]GACAGCCCTGGATGCTTTTGGAAGAATAGGTGATGTTTCTTTGTGTTATGGCTCTTGTGG-3'
Protein context (NP_000405.1, residues 74-94): DSVEEGEKVV[Lys84Arg]TALDAFGRID

ClinVar aggregate classification (germline): Uncertain significance (1 of 4 stars; one submission).

Conditions:
Perrault syndrome. Also called: Gonadal dysgenesis with auditory dysfunction, autosomal recessive inheritance. Identifiers: Orphanet 2855, MedGen C0685838, MONDO:0017312.
Bifunctional peroxisomal enzyme deficiency (DBIF). Also called: PBFE DEFICIENCY; D-bifunctional protein deficiency; DBP DEFICIENCY. Identifiers: Orphanet 300, MedGen C0342870, MONDO:0009855, OMIM 261515. Disease mechanism: loss of function.

Submission:

Labcorp Genetics (formerly Invitae), Labcorp
Classification: Uncertain significance for Perrault syndrome; Bifunctional peroxisomal enzyme deficiency. Last evaluated: 2024-04-01. Review status: criteria provided, single submitter. Criteria: Invitae Variant Classification Sherloc (09022015). Collection method: clinical testing. Allele origin: germline.
Comment: This sequence change replaces lysine, which is basic and polar, with arginine, which is basic and polar, at codon 84 of the HSD17B4 protein (p.Lys84Arg). This variant is not present in population databases (gnomAD no frequency). This variant has not been reported in the literature in individuals affected with HSD17B4-related conditions. ClinVar contains an entry for this variant (Variation ID: 2416905). Advanced modeling of protein sequence and biophysical properties (such as structural, functional, and spatial information, amino acid conservation, physicochemical variation, residue mobility, and thermodynamic stability) performed at Invitae indicates that this missense variant is not expected to disrupt HSD17B4 protein function with a negative predictive value of 95%. In summary, the available evidence is currently insufficient to determine the role of this variant in disease. Therefore, it has been classified as a Variant of Uncertain Significance.